The following is an entry in ClinVar:

NM_002878.4(RAD51D):c.193_194insATTCTCGG (p.Pro65fs)

Genes: RAD51D (RAD51 paralog D; minus strand), RAD51L3-RFFL (RAD51L3-RFFL readthrough; minus strand). Cytogenetic location: 17q12.
Variant type: Insertion.
Coding change: c.193_194insATTCTCGG on transcript NM_002878.4 (MANE Select); coding-DNA positions 193 to 194, ATTCTCGG inserted.
Protein change: p.Pro65fs; shifts the reading frame from proline 65.
Molecular consequence: frameshift variant. On other transcripts: intron variant (2).
Genome position: GRCh38 VCF-style: chr17-35118570-G-GCCGAGAAT. GRCh37 (hg19) VCF-style: chr17-33445589-G-GCCGAGAAT.
Other names: c.144+540_144+541insATTCTCGG (NM_133629.3, NM_001142571.2); short protein forms P65fs.
Identifiers: ClinVar variation 5019893 (VCV005019893.2).

ClinVar aggregate classification (germline): Likely pathogenic (1 of 4 stars; one submission).

Conditions:
Breast-ovarian cancer, familial, susceptibility to, 4. Identifiers: Orphanet 145, MedGen C3280345, MONDO:0013669, OMIM 614291.

Submission:

Juno Genomics, Hangzhou Juno Genomics, Inc
Classification: Likely pathogenic for Breast-ovarian cancer, familial, susceptibility to, 4. Review status: criteria provided, single submitter. Criteria: ACMG Guidelines, 2015. Collection method: clinical testing. Allele origin: germline.
Comment: Absent from controls (or at extremely low frequency if recessive) in Genome Aggregation Database.;Null variant in a gene where loss of function (LOF) is a known mechanism of disease.